The following is an entry in ClinVar:

ClinVar aggregate classification (germline): Uncertain significance (1 of 4 stars; one submission).

Allele frequency attached by ClinVar (database versions not stated): gnomAD 0.00001; TOPMed 0.00002.

Submission:

Labcorp Genetics (formerly Invitae), Labcorp
Classification: Uncertain significance. Last evaluated: 2024-03-13. Review status: criteria provided, single submitter. Criteria: Invitae Variant Classification Sherloc (09022015). Collection method: clinical testing. Allele origin: germline.
Comment: This sequence change replaces alanine, which is neutral and non-polar, with valine, which is neutral and non-polar, at codon 14 of the GATA5 protein (p.Ala14Val). This variant is not present in population databases (gnomAD no frequency). This variant has not been reported in the literature in individuals affected with GATA5-related conditions. ClinVar contains an entry for this variant (Variation ID: 2083049). An algorithm developed to predict the effect of missense changes on protein structure and function (PolyPhen-2) suggests that this variant is likely to be tolerated. In summary, the available evidence is currently insufficient to determine the role of this variant in disease. Therefore, it has been classified as a Variant of Uncertain Significance.

NM_080473.5(GATA5):c.41C>T (p.Ala14Val)

Gene: GATA5 (GATA binding protein 5; minus strand). Cytogenetic location: 20q13.33.
Variant type: single nucleotide variant.
Coding change: c.41C>T on transcript NM_080473.5 (MANE Select); coding-DNA position 41, C replaced by T.
Protein change: p.Ala14Val; replaces alanine 14 with valine.
Molecular consequence: missense variant.
Genome position (GRCh38, 1-based): chr20:62,475,481, G>A on the plus strand (C>T on the coding strand, the complement: GATA5 is on the minus strand). VCF-style: chr20-62475481-G-A. GRCh37 (hg19) VCF-style: chr20-61050537-G-A.
Other names: short protein forms A14V.
Identifiers: ClinVar variation 2083049 (VCV002083049.4), dbSNP rs1232804152, ClinGen allele CA409557997.
Genomic context (GRCh38, chr20:62,475,481, plus strand): 5'-ACAAACATCGGAGAGCCGGCGCCCGGAGCGTGCAGGAAGGAGCCCGAGTCGGCGTAGGCG[G>A]CCTGGCGGGGGCTCGCGGCCAGCGCCAGGCTCTGGTACATCCTCCCAGGCGTGGTCTTGA-3'
Protein context (NP_536721.1, residues 4-24): SLALAASPRQ[Ala14Val]AYADSGSFLH